The following is an entry in ClinVar:

ClinVar aggregate classification (germline): Likely pathogenic (1 of 4 stars; one submission).

Conditions:
Enhanced S-cone syndrome (ESCS). Identifiers: Orphanet 53540, MedGen C1849394, MONDO:0100288, MONDO:0009989.

Submission:

Natera, Inc.
Classification: Likely pathogenic for Enhanced S cone syndrome. Last evaluated: 2024-10-31. Review status: criteria provided, single submitter. Criteria: Natera Variant Classification Schema (03/2026). Collection method: clinical testing. Allele origin: germline.
Comment: The c.371del variant in NR2E3 is a frameshift variant predicted to shift the reading frame beginning at codon 124 and leads to a stop codon 55 codons downstream. This variant is expected to result in nonsense mediated decay, truncation, or a dysfunctional protein product. This variant is rare in the general population with a frequency below the threshold expected for the associated phenotype(s). Given the available evidence, this variant is classified as Likely Pathogenic.

NM_014249.4(NR2E3):c.371del (p.Pro124fs)

Gene: NR2E3 (nuclear receptor subfamily 2 group E member 3; plus strand). Cytogenetic location: 15q23.
Variant type: Deletion.
Coding change: c.371del on transcript NM_014249.4 (MANE Select); coding-DNA position 371, one base deleted (C; older notation c.371delC).
Protein change: p.Pro124fs; shifts the reading frame from proline 124.
Molecular consequence: frameshift variant.
Genome position (GRCh38, 1-based): chr15:71,811,976, C deleted; the last of 2 consecutive C bases (chr15:71,811,975-71,811,976); deleting either gives the same sequence. VCF-style (leftmost placement, unchanged base first): chr15-71811974-GC-G. GRCh37 (hg19) VCF-style: chr15-72104314-GC-G.
Other names: c.371del, p.Pro124fs (NM_016346.4); short protein forms P124fs.
Identifiers: ClinVar variation 4815620 (VCV004815620.1).
Genomic context (GRCh38, chr15:71,811,974, plus strand): 5'-GCGGGACTGGCGTGTCGTCCTGACCCTTCCTGCCTCCCCAGCCGTGCAGAACGAGCGCCA[GC>G]CGCGAAGCACAGCCCAGGTCCACCTGGACAGCATGGAGTCCAACACTGAGTCCCGGCCGG-3'